The following is an entry in ClinVar:

NM_004999.4(MYO6):c.554-1G>A

Gene: MYO6 (myosin VI; plus strand). Cytogenetic location: 6q14.1.
Variant type: single nucleotide variant.
Coding change: c.554-1G>A on transcript NM_004999.4 (MANE Select); the canonical splice acceptor site of the intron before coding-DNA position 554, G replaced by A.
Molecular consequence: splice acceptor variant. On other transcripts: intron variant (1).
Genome position (GRCh38, 1-based): chr6:75,840,584, G>A. VCF-style: chr6-75840584-G-A. GRCh37 (hg19) VCF-style: chr6-76550301-G-A.
Other names: c.554-1G>A (NM_001368866.1, NM_001368137.1, NM_001300899.2 and 4 more transcripts); c.554-16G>A (NM_001368138.1).
Identifiers: ClinVar variation 2734912 (VCV002734912.3), dbSNP rs2535094319, ClinGen allele CA364770334.

ClinVar aggregate classification (germline): Pathogenic (1 of 4 stars; one submission).

Submission:

Labcorp Genetics (formerly Invitae), Labcorp
Classification: Pathogenic. Last evaluated: 2023-12-03. Review status: criteria provided, single submitter. Criteria: Invitae Variant Classification Sherloc (09022015). Collection method: clinical testing. Allele origin: germline.
Comment: This sequence change affects an acceptor splice site in intron 7 of the MYO6 gene. It is expected to disrupt RNA splicing. Variants that disrupt the donor or acceptor splice site typically lead to a loss of protein function (PMID: 16199547), and loss-of-function variants in MYO6 are known to be pathogenic (PMID: 12687499, 18348273, 23767834, 25999546, 30582396). This variant is not present in population databases (gnomAD no frequency). Disruption of this splice site has been observed in individual(s) with nonsyndromic deafness (PMID: 23635807, 30582396). It has also been observed to segregate with disease in related individuals. Algorithms developed to predict the effect of sequence changes on RNA splicing suggest that this variant may disrupt the consensus splice site. For these reasons, this variant has been classified as Pathogenic.

Literature cited by the submitters: PubMed 16199547; PubMed 12687499; PubMed 18348273; PubMed 23767834; PubMed 25999546; PubMed 30582396; PubMed 23635807.